The following is an entry in ClinVar:

NM_000535.7(PMS2):c.2476G>A (p.Glu826Lys)

Gene: PMS2 (PMS1 homolog 2, mismatch repair system component; minus strand). Cytogenetic location: 7p22.1.
Variant type: single nucleotide variant.
Coding change: c.2476G>A on transcript NM_000535.7 (MANE Select); coding-DNA position 2476, G replaced by A.
Protein change: p.Glu826Lys; replaces glutamic acid 826 with lysine.
Molecular consequence: missense variant. On other transcripts: non-coding transcript variant (1).
Genome position (GRCh38, 1-based): chr7:5,973,512, C>T on the plus strand (G>A on the coding strand, the complement: PMS2 is on the minus strand). VCF-style: chr7-5973512-C-T. GRCh37 (hg19) VCF-style: chr7-6013143-C-T.
Other names: c.2071G>A, p.Glu691Lys (NM_001322003.2, NM_001322004.2, NM_001322005.2); c.2320G>A, p.Glu774Lys (NM_001322006.2); c.2158G>A, p.Glu720Lys (NM_001322007.2, NM_001322008.2); c.2104G>A, p.Glu702Lys (NM_001322009.2); c.1915G>A, p.Glu639Lys (NM_001322010.2); c.1543G>A, p.Glu515Lys (NM_001322011.2, NM_001322012.2); c.1903G>A, p.Glu635Lys (NM_001322013.2); c.2509G>A, p.Glu837Lys (NM_001322014.2); and 1 more; short protein forms E826K, E702K, E515K, E635K, E639K, E691K, E723K, E774K.
Identifiers: ClinVar variation 142929 (VCV000142929.28), dbSNP rs587782828, ClinGen allele CA011567.

ClinVar aggregate classification (germline): Uncertain significance. Review status: criteria provided, multiple submitters, no conflicts (2 of 4 stars). 8 submissions from 8 submitters: Uncertain significance (8). Last evaluated 2025-11-21.

Conditions:
Hereditary nonpolyposis colorectal neoplasms. Identifiers: MedGen C0009405, MeSH D003123.
Hereditary cancer-predisposing syndrome. Also called: Neoplastic Syndromes, Hereditary; Hereditary Cancer Syndrome; Tumor predisposition; Hereditary neoplastic syndrome. Identifiers: Orphanet 140162, MedGen C0027672, MeSH D009386, MONDO:0015356.
Lynch syndrome. Identifiers: Orphanet 144, MedGen C4552100, MONDO:0005835. Disease mechanism: loss of function.
Lynch syndrome 4 (LYNCH4). Also called: Colorectal cancer, hereditary nonpolyposis, type 4; Hereditary non-polyposis colorectal cancer, type 4. Identifiers: Orphanet 144, MedGen C1838333, MONDO:0013699, OMIM 614337. Disease mechanism: loss of function.

Allele frequency attached by ClinVar (database versions not stated): gnomAD exomes 0.00001; ExAC 0.00008.
gnomAD v4.1: 6 of 626,972 alleles (0.00096%); highest among the groups gnomAD compares: East Asian, 0.0065%; 1 homozygote.

Submissions (8):

Labcorp Genetics (formerly Invitae), Labcorp
Classification: Uncertain significance for Hereditary nonpolyposis colorectal neoplasms. Last evaluated: 2025-11-21. Review status: criteria provided, single submitter. Criteria: Invitae Variant Classification Sherloc (09022015). Collection method: clinical testing. Allele origin: germline.
Comment: This sequence change replaces glutamic acid, which is acidic and polar, with lysine, which is basic and polar, at codon 826 of the PMS2 protein (p.Glu826Lys). The frequency data for this variant in the population databases (gnomAD) is considered unreliable due to the presence of homologous sequence, such as pseudogenes or paralogs, in the genome. This missense change has been observed in individual(s) with breast cancer (PMID: 25186627, 37534630). ClinVar contains an entry for this variant (Variation ID: 142929). Invitae Evidence Modeling incorporating data from in vitro experimental studies (internal data) indicates that this missense variant is not expected to disrupt PMS2 function with a negative predictive value of 95%. In summary, the available evidence is currently insufficient to determine the role of this variant in disease. Therefore, it has been classified as a Variant of Uncertain Significance.

Ambry Genetics
Classification: Uncertain significance for Hereditary cancer-predisposing syndrome. Last evaluated: 2025-08-18. Review status: criteria provided, single submitter. Criteria: Ambry Variant Classification Scheme 2023. Collection method: clinical testing. Allele origin: germline.
Comment: The p.E826K variant (also known as c.2476G>A), located in coding exon 15 of the PMS2 gene, results from a G to A substitution at nucleotide position 2476. The glutamic acid at codon 826 is replaced by lysine, an amino acid with similar properties. This amino acid position is highly conserved in available vertebrate species. In addition, this alteration is predicted to be deleterious by in silico analysis. Based on the available evidence, the clinical significance of this variant remains unclear.

Center for Genomic Medicine, Rigshospitalet, Copenhagen University Hospital
Classification: Uncertain significance. Last evaluated: 2025-03-04. Review status: criteria provided, single submitter. Criteria: ACMG Guidelines, 2015. Collection method: clinical testing. Allele origin: germline.

Dasa
Classification: Uncertain significance for Lynch syndrome. Last evaluated: 2025-02-28. Review status: criteria provided, single submitter. Criteria: DASA Assertion Criteria. Collection method: clinical testing. Allele origin: germline.
Comment: NM_000535.7(PMS2):c.2476G>A (p.Glu826Lys) is a missense variant that results in the substitution of glutamic acid with lysine. This variant is rare in population databases. The currently available literature and clinical evidence are not sufficient to establish a definitive association between this variant and the reported condition. Therefore, this variant is classified as a variant of uncertain significance.

Color Diagnostics, LLC DBA Color Health
Classification: Uncertain significance for Hereditary cancer-predisposing syndrome. Last evaluated: 2024-01-24. Review status: criteria provided, single submitter. Criteria: ACMG Guidelines, 2015. Collection method: clinical testing. Allele origin: germline.
Comment: This missense variant replaces glutamic acid with lysine at codon 826 of the PMS2 protein. Computational prediction suggests that this variant may have deleterious impact on protein structure and function (internally defined REVEL score threshold >= 0.7, PMID: 27666373). To our knowledge, functional studies have not been reported for this variant. This variant has been observed in individuals affected with breast cancer (PMID: 25186627, 37534630). This variant has been identified in 2/146318 chromosomes in the general population by the Genome Aggregation Database (gnomAD). The available evidence is insufficient to determine the role of this variant in disease conclusively. Therefore, this variant is classified as a Variant of Uncertain Significance.

GeneDx
Classification: Uncertain significance. Last evaluated: 2023-12-04. Review status: criteria provided, single submitter. Criteria: GeneDx Variant Classification Process June 2021. Collection method: clinical testing. Allele origin: germline. Affected: yes.
Comment: Not observed at significant frequency in large population cohorts (gnomAD); In silico analysis supports that this missense variant has a deleterious effect on protein structure/function; Has not been previously published as pathogenic or benign to our knowledge; This variant is associated with the following publications: (PMID: Fukui2011[Chapter])

Baylor Genetics
Classification: Uncertain significance for Lynch syndrome 4. Last evaluated: 2023-05-08. Review status: criteria provided, single submitter. Criteria: ACMG Guidelines, 2015. Collection method: clinical testing. Allele origin: unknown.

Women's Health and Genetics/Laboratory Corporation of America, LabCorp
Classification: Uncertain significance. Last evaluated: 2022-12-19. Review status: criteria provided, single submitter. Criteria: LabCorp Variant Classification Summary - May 2015. Collection method: clinical testing. Allele origin: germline.
Comment: Variant summary: PMS2 c.2476G>A (p.Glu826Lys) results in a conservative amino acid change in the encoded protein sequence. Three of five in-silico tools predict a damaging effect of the variant on protein function. The variant allele was found at a frequency of 1.4e-05 in 146318 control chromosomes (gnomAD). The available data on variant occurrences in the general population are insufficient to allow any conclusion about variant significance. c.2476G>A has been reported in the literature in an individual affected with breast cancer (Tung_2015). This report does not provide unequivocal conclusions about association of the variant with Hereditary Nonpolyposis Colorectal Cancer. To our knowledge, no experimental evidence demonstrating an impact on protein function has been reported. Three ClinVar submitters have assessed the variant since 2014: all classified the variant as uncertain significance. Based on the evidence outlined above, the variant was classified as uncertain significance.

Literature cited by the submitters: PubMed 25186627 (cited by 4 submitters); PubMed 37534630 (cited by Labcorp Genetics (formerly Invitae), Labcorp and Color Diagnostics, LLC DBA Color Health).